The following is an entry in ClinVar:

ClinVar aggregate classification (germline): Uncertain significance (1 of 4 stars; one submission).

Submission:

Labcorp Genetics (formerly Invitae), Labcorp
Classification: Uncertain significance. Last evaluated: 2025-12-09. Review status: criteria provided, single submitter. Criteria: Invitae Variant Classification Sherloc (09022015). Collection method: clinical testing. Allele origin: germline.
Comment: This sequence change affects an acceptor splice site in intron 4 of the RASA2 gene. It is expected to disrupt RNA splicing. Variants that disrupt the donor or acceptor splice site typically lead to a loss of protein function (PMID: 16199547), however the current clinical and genetic evidence is not sufficient to establish whether loss-of-function variants in RASA2 cause disease. This variant is not present in population databases (gnomAD no frequency). This variant has not been reported in the literature in individuals affected with RASA2-related conditions. ClinVar contains an entry for this variant (Variation ID: 2712732). Algorithms developed to predict the effect of sequence changes on RNA splicing suggest that this variant may disrupt the consensus splice site. In summary, the available evidence is currently insufficient to determine the role of this variant in disease. Therefore, it has been classified as a Variant of Uncertain Significance.

Literature cited by the submitters: PubMed 16199547.

NM_006506.5(RASA2):c.451-1G>A

Gene: RASA2 (RAS p21 protein activator 2; plus strand). Cytogenetic location: 3q23.
Variant type: single nucleotide variant.
Coding change: c.451-1G>A on transcript NM_006506.5 (MANE Select); the canonical splice acceptor site of the intron before coding-DNA position 451, G replaced by A.
Molecular consequence: splice acceptor variant.
Genome position (GRCh38, 1-based): chr3:141,540,532, G>A. VCF-style: chr3-141540532-G-A. GRCh37 (hg19) VCF-style: chr3-141259374-G-A.
Other names: c.451-1G>A (NM_001303245.3, NM_001303246.3).
Identifiers: ClinVar variation 2712732 (VCV002712732.3), dbSNP rs2478570722, ClinGen allele CA354772218.